The following is an entry in ClinVar:

NM_001967.4(EIF4A2):c.617_618dup (p.Ser207fs)

Gene: EIF4A2 (eukaryotic translation initiation factor 4A2; plus strand). Cytogenetic location: 3q27.3.
Variant type: Microsatellite.
Coding change: c.617_618dup on transcript NM_001967.4 (MANE Select); coding-DNA positions 617 to 618, 2 bases duplicated (CA; older notation c.617_618dupCA).
Protein change: p.Ser207fs; shifts the reading frame from serine 207.
Molecular consequence: frameshift variant.
Genome position (GRCh38, 1-based): chr3:186,786,263-186,786,264, CA duplicated; duplicating any 2 consecutive bases within chr3:186,786,260-186,786,264 gives the same sequence; the c. name uses the placement nearest the transcript's 3' end. VCF-style (leftmost placement, unchanged base first): chr3-186786259-A-AAC. GRCh37 (hg19) VCF-style: chr3-186504048-A-AAC.
Other names: short protein forms S207fs.
Identifiers: ClinVar variation 4891453 (VCV004891453.1).

ClinVar aggregate classification (germline): Uncertain significance (1 of 4 stars; one submission).

Submission:

GeneDx
Classification: Uncertain significance. Last evaluated: 2026-03-02. Review status: criteria provided, single submitter. Criteria: GeneDx Variant Classification Process June 2021. Collection method: clinical testing. Allele origin: germline.
Comment: Not observed at significant frequency in large population cohorts (gnomAD); Frameshift variant predicted to result in protein truncation or nonsense mediated decay in a gene or region of a gene for which loss of function is not a well-established mechanism of disease; Has not been previously published as pathogenic or benign to our knowledge